The following is an entry in ClinVar:

ClinVar aggregate classification (germline): Pathogenic (1 of 4 stars; one submission).

Conditions:
Familial cancer of breast. Also called: Hereditary breast cancer; BREAST CANCER, FAMILIAL; hereditary breast carcinoma. Identifiers: Orphanet 227535, MedGen C0346153, MONDO:0016419, OMIM 114480. Disease mechanism: loss of function.

Submission:

Myriad Genetics, Inc.
Classification: Pathogenic for Familial cancer of breast. Last evaluated: 2023-09-07. Review status: criteria provided, single submitter. Criteria: Myriad Autosomal Dominant, Autosomal Recessive and X-Linked Classification Criteria (2023). Collection method: clinical testing. Allele origin: unknown.
Comment: This variant is considered pathogenic. This variant creates a termination codon and is predicted to result in premature protein truncation.

NM_024675.4(PALB2):c.1002C>G (p.Tyr334Ter)

Gene: PALB2 (partner and localizer of BRCA2; minus strand). Cytogenetic location: 16p12.2.
Variant type: single nucleotide variant.
Coding change: c.1002C>G on transcript NM_024675.4 (MANE Select); coding-DNA position 1002, C replaced by G.
Protein change: p.Tyr334Ter; replaces tyrosine 334 with a stop codon.
Molecular consequence: nonsense. On other transcripts: intron variant (3).
Genome position (GRCh38, 1-based): chr16:23,635,544, G>C on the plus strand (C>G on the coding strand, the complement: PALB2 is on the minus strand). VCF-style: chr16-23635544-G-C. GRCh37 (hg19) VCF-style: chr16-23646865-G-C.
Other names: c.942C>G, p.Tyr314Ter (NM_001407296.1); c.1002C>G, p.Tyr334Ter (NM_001407297.1, NM_001407298.1, NM_001407299.1 and 3 more transcripts); c.117C>G, p.Tyr39Ter (NM_001407304.1, NM_001407305.1, NM_001407306.1 and 5 more transcripts); c.48+5566C>G (NM_001407314.1); c.-104-5075C>G (NM_001407313.1, NM_001407312.1); short protein forms Y314*, Y334*, Y39*.
Identifiers: ClinVar variation 2674066 (VCV002674066.1), dbSNP rs1967002667, ClinGen allele CA395134614.